The following is an entry in ClinVar:

NM_001211.6(BUB1B):c.779A>G (p.Asn260Ser)

Gene: BUB1B (BUB1 mitotic checkpoint serine/threonine kinase B; plus strand). Cytogenetic location: 15q15.1.
Variant type: single nucleotide variant.
Coding change: c.779A>G on transcript NM_001211.6 (MANE Select); coding-DNA position 779, A replaced by G.
Protein change: p.Asn260Ser; replaces asparagine 260 with serine.
Molecular consequence: missense variant.
Genome position (GRCh38, 1-based): chr15:40,185,192, A>G. VCF-style: chr15-40185192-A-G. GRCh37 (hg19) VCF-style: chr15-40477393-A-G.
Other names: short protein forms N260S.
Identifiers: ClinVar variation 133776 (VCV000133776.1), dbSNP rs587778147, ClinGen allele CA157780.

ClinVar aggregate classification (germline): not provided (0 of 4 stars; one submission).

Submission:

ITMI
No classification provided. Condition: AllHighlyPenetrant. Last evaluated: 2013-09-19. Review status: no classification provided. Collection method: reference population. Allele origin: germline.
Comment: Please see associated publication for description of ethnicities

Literature cited by the submitters: PubMed 24728327.